The following is an entry in ClinVar:

ClinVar aggregate classification (germline): Likely pathogenic (1 of 4 stars; one submission).

Conditions:
Sulfite oxidase deficiency due to molybdenum cofactor deficiency type A. Also called: Molybdenum cofactor deficiency, complementation group A; Molybdenum Cofactor Deficiency A. Identifiers: Orphanet 308386, Orphanet 833, MedGen C1854988, MONDO:0009643, OMIM 252150.

Submission:

Labcorp Genetics (formerly Invitae), Labcorp
Classification: Likely pathogenic for Sulfite oxidase deficiency due to molybdenum cofactor deficiency type A. Last evaluated: 2023-12-09. Review status: criteria provided, single submitter. Criteria: Invitae Variant Classification Sherloc (09022015). Collection method: clinical testing. Allele origin: germline.
Comment: This sequence change affects an acceptor splice site in intron 8 of the MOCS1 gene. It is expected to disrupt RNA splicing. Variants that disrupt the donor or acceptor splice site typically lead to a loss of protein function (PMID: 16199547), and loss-of-function variants in MOCS1 are known to be pathogenic (PMID: 12754701, 16021469). This variant is not present in population databases (gnomAD no frequency). This variant has not been reported in the literature in individuals affected with MOCS1-related conditions. Algorithms developed to predict the effect of sequence changes on RNA splicing suggest that this variant may disrupt the consensus splice site. In summary, the currently available evidence indicates that the variant is pathogenic, but additional data are needed to prove that conclusively. Therefore, this variant has been classified as Likely Pathogenic.

Literature cited by the submitters: PubMed 16199547; PubMed 12754701; PubMed 16021469.

NM_001358530.2(MOCS1):c.982-1G>A

Gene: MOCS1 (molybdenum cofactor synthesis 1; minus strand). Cytogenetic location: 6p21.2.
Variant type: single nucleotide variant.
Coding change: c.982-1G>A on transcript NM_001358530.2 (MANE Select); the canonical splice acceptor site of the intron before coding-DNA position 982, G replaced by A.
Molecular consequence: splice acceptor variant.
Genome position (GRCh38, 1-based): chr6:39,909,956, C>T on the plus strand (G>A on the coding strand, the complement: MOCS1 is on the minus strand). VCF-style: chr6-39909956-C-T. GRCh37 (hg19) VCF-style: chr6-39877700-C-T.
Other names: c.721-1G>A (NM_001358531.2, NM_001358533.2, NM_001358534.2); c.982-1G>A (NM_001358529.2, NM_001075098.4, NM_005943.6).
Identifiers: ClinVar variation 2864464 (VCV002864464.4), dbSNP rs2482284914, ClinGen allele CA364042532.
Genomic context (GRCh38, chr6:39,909,956, plus strand): 5'-AGAGGCCCCAGCTCGCAGGTGATCCCGCAGGGATACCTCAGAGTTTCCAAAGAGGCAGAC[C>T]TACATGTGGGTGAGGACAATATGCCTTCCTTACCCCTGAGCCTTGGCCTCCTGGCCTCTG-3'